The following is an entry in ClinVar:

NM_000431.4(MVK):c.227-18T>C

Gene: MVK (mevalonate kinase; plus strand). Cytogenetic location: 12q24.11.
Variant type: single nucleotide variant.
Coding change: c.227-18T>C on transcript NM_000431.4 (MANE Select); 18 bases into the intron before coding-DNA position 227, T replaced by C.
Molecular consequence: intron variant.
Genome position (GRCh38, 1-based): chr12:109,579,784, T>C. VCF-style: chr12-109579784-T-C. GRCh37 (hg19) VCF-style: chr12-110017589-T-C.
Other names: c.227-18T>C (LRG_156t1, NM_001301182.2, NM_001114185.3).
Identifiers: ClinVar variation 234493 (VCV000234493.2), dbSNP rs876661049, ClinGen allele CA10577433.

ClinVar aggregate classification (germline): Uncertain significance (1 of 4 stars; one submission).

Submission:

GeneDx
Classification: Uncertain significance. Last evaluated: 2015-06-02. Review status: criteria provided, single submitter. Criteria: GeneDx Variant Classification (06012015). Collection method: clinical testing. Allele origin: germline. Affected: yes.
Comment: To our knowledge, the c.227-18 T>C variant has not been published as a mutation, nor has it been reported as a benign polymorphism. It was not observed in approximately 6,500 individuals of European and African American ancestry in the NHLBI Exome Sequencing Project, indicating it is not a common benign variant in these populations. In-silico splicing models are not informative or consistent regarding the effect of this variant on splicing, with one model predicting that it may destroy the natural splice donor site of intron 2. The nucleotide which is altered, a thymine (T) at the -18 position of intron 2, is conserved across species. Regardless, in the absence of RNA or functional studies, the actual effect of this sequence change in this individual would be unknown. Therefore, based on the currently available information, it is unclear whether this variant is a pathogenic mutation or a rare benign variant.